The following is an entry in ClinVar:

ClinVar aggregate classification (germline): Uncertain significance (1 of 4 stars; one submission).

Allele frequency attached by ClinVar (database versions not stated): TOPMed 0.00001; ExAC 0.00001; gnomAD exomes 0.00001.
gnomAD v4.1: 7 of 1,613,568 alleles (0.00043%); highest among the groups gnomAD compares: South Asian, 0.0066%; no homozygotes.

Submission:

Labcorp Genetics (formerly Invitae), Labcorp
Classification: Uncertain significance. Last evaluated: 2022-10-13. Review status: criteria provided, single submitter. Criteria: Invitae Variant Classification Sherloc (09022015). Collection method: clinical testing. Allele origin: germline.
Comment: This sequence change replaces proline, which is neutral and non-polar, with serine, which is neutral and polar, at codon 1273 of the TUBGCP6 protein (p.Pro1273Ser). This variant is present in population databases (rs748733285, gnomAD 0.01%). This variant has not been reported in the literature in individuals affected with TUBGCP6-related conditions. ClinVar contains an entry for this variant (Variation ID: 1036733). Algorithms developed to predict the effect of missense changes on protein structure and function output the following: SIFT: "Tolerated"; PolyPhen-2: "Benign"; Align-GVGD: "Class C0". The serine amino acid residue is found in multiple mammalian species, which suggests that this missense change does not adversely affect protein function. In summary, the available evidence is currently insufficient to determine the role of this variant in disease. Therefore, it has been classified as a Variant of Uncertain Significance.

NM_020461.4(TUBGCP6):c.3817C>T (p.Pro1273Ser)

Gene: TUBGCP6 (tubulin gamma complex component 6; minus strand). Cytogenetic location: 22q13.33.
Variant type: single nucleotide variant.
Coding change: c.3817C>T on transcript NM_020461.4 (MANE Select); coding-DNA position 3817, C replaced by T.
Protein change: p.Pro1273Ser; replaces proline 1273 with serine.
Molecular consequence: missense variant.
Genome position (GRCh38, 1-based): chr22:50,220,542, G>A on the plus strand (C>T on the coding strand, the complement: TUBGCP6 is on the minus strand). VCF-style: chr22-50220542-G-A. GRCh37 (hg19) VCF-style: chr22-50658971-G-A.
Other names: short protein forms P1273S.
Identifiers: ClinVar variation 1036733 (VCV001036733.6), dbSNP rs748733285, ClinGen allele CA10307813.
Genomic context (GRCh38, chr22:50,220,542, plus strand): 5'-GCCTGGGTGTGTTGGGCTCAGCTTCTGGTGAGAGAGCCCCCAGCACCATGTGGGGCGGAG[G>A]GATGGGTACATGGGTGTTCCACCGTGGCCGGGTGGAAACCACATCCGACACAGGCTCCCC-3'
Protein context (NP_065194.3, residues 1263-1283): RPRWNTHVPI[Pro1273Ser]PPHMVLGALS